The following is an entry in ClinVar:

ClinVar aggregate classification (germline): Conflicting classifications of pathogenicity. Review status: criteria provided, conflicting classifications (1 of 4 stars). 3 submissions from 2 submitters: Uncertain significance (1); Likely benign (2). Last evaluated 2024-10-15.

Conditions:
Glaucoma 1, open angle, E. Identifiers: MedGen C1842026, MONDO:0007665.
Amyotrophic lateral sclerosis type 12 (ALS12). Also called: AMYOTROPHIC LATERAL SCLEROSIS 12 WITH OR WITHOUT FRONTOTEMPORAL DEMENTIA. Identifiers: Orphanet 803, MedGen C3150692, MONDO:0013264, OMIM 613435.
Primary open angle glaucoma (POAG). Also called: OPTN-related open angle glaucoma. Identifiers: MedGen C0339573, MONDO:0100553, OMIM 137760.

Allele frequency attached by ClinVar (database versions not stated): gnomAD exomes 0.00001 and 0.00006; TOPMed 0.00002; ExAC 0.00003.

Submissions (3):

Labcorp Genetics (formerly Invitae), Labcorp
Classification: Likely benign for Primary open angle glaucoma; Glaucoma 1, open angle, E; Amyotrophic lateral sclerosis type 12. Last evaluated: 2024-10-15. Review status: criteria provided, single submitter. Criteria: Invitae Variant Classification Sherloc (09022015). Collection method: clinical testing. Allele origin: germline.

Illumina Laboratory Services, Illumina
Classification: Uncertain significance for Amyotrophic lateral sclerosis type 12. Last evaluated: 2018-01-13. Review status: criteria provided, single submitter. Criteria: ICSL Variant Classification Criteria 13 December 2019. Collection method: clinical testing. Allele origin: germline.

Illumina Laboratory Services, Illumina
Classification: Likely benign for Primary open angle glaucoma. Last evaluated: 2018-01-13. Review status: criteria provided, single submitter. Criteria: ICSL Variant Classification Criteria 13 December 2019. Collection method: clinical testing. Allele origin: germline.
Comment: This variant was observed in the ICSL laboratory as part of a predisposition screen in an ostensibly healthy population. It had not been previously curated by ICSL or reported in the Human Gene Mutation Database (HGMD: prior to June 1st, 2018), and was therefore a candidate for classification through an automated scoring system. Utilizing variant allele frequency, disease prevalence and penetrance estimates, and inheritance mode, an automated score was calculated to assess if this variant is too frequent to cause the disease. Based on the score and internal cut-off values, a variant classified as likely benign is not then subjected to further curation. The score for this variant resulted in a classification of likely benign for this disease.

NM_001008212.2(OPTN):c.573A>G (p.Ser191=)

Gene: OPTN (optineurin; plus strand). Cytogenetic location: 10p13.
Variant type: single nucleotide variant.
Coding change: c.573A>G on transcript NM_001008212.2 (MANE Select); coding-DNA position 573, A replaced by G.
Protein change: p.Ser191=; no amino-acid change (serine 191 retained).
Molecular consequence: synonymous variant.
Genome position (GRCh38, 1-based): chr10:13,116,287, A>G. VCF-style: chr10-13116287-A-G. GRCh37 (hg19) VCF-style: chr10-13158287-A-G.
Other names: c.573A>G, p.Ser191= (NM_001008211.1, NM_001008213.1, NM_021980.4).
Identifiers: ClinVar variation 299215 (VCV000299215.7), dbSNP rs773095721, ClinGen allele CA5410675.